The following is an entry in ClinVar:

NM_004329.3(BMPR1A):c.754A>G (p.Lys252Glu)

Gene: BMPR1A (bone morphogenetic protein receptor type 1A; plus strand). Cytogenetic location: 10q23.2.
Variant type: single nucleotide variant.
Coding change: c.754A>G on transcript NM_004329.3 (MANE Select); coding-DNA position 754, A replaced by G.
Protein change: p.Lys252Glu; replaces lysine 252 with glutamic acid.
Molecular consequence: missense variant. On other transcripts: non-coding transcript variant (3).
Genome position (GRCh38, 1-based): chr10:86,917,212, A>G. VCF-style: chr10-86917212-A-G. GRCh37 (hg19) VCF-style: chr10-88676969-A-G.
Other names: c.829A>G, p.Lys277Glu (NM_001406559.1); c.802A>G, p.Lys268Glu (NM_001406560.1); c.754A>G, p.Lys252Glu (NM_001406561.1, NM_001406562.1, NM_001406563.1 and 19 more transcripts); c.748A>G, p.Lys250Glu (NM_001406583.1); c.670A>G, p.Lys224Glu (NM_001406584.1, NM_001406585.1, NM_001406586.1 and 2 more transcripts); c.412A>G, p.Lys138Glu (NM_001406589.1); short protein forms K250E, K224E, K252E, K138E, K268E, K277E.
Identifiers: ClinVar variation 3824717 (VCV003824717.1).

ClinVar aggregate classification (germline): Uncertain significance (1 of 4 stars; one submission).

Conditions:
Hereditary cancer-predisposing syndrome. Also called: Hereditary neoplastic syndrome; Neoplastic Syndromes, Hereditary; Tumor predisposition; Hereditary Cancer Syndrome. Identifiers: Orphanet 140162, MedGen C0027672, MeSH D009386, MONDO:0015356.

Submission:

Ambry Genetics
Classification: Uncertain significance for Hereditary cancer-predisposing syndrome. Last evaluated: 2025-01-19. Review status: criteria provided, single submitter. Criteria: Ambry Variant Classification Scheme 2023. Collection method: clinical testing. Allele origin: germline.
Comment: The p.K252E variant (also known as c.754A>G), located in coding exon 7 of the BMPR1A gene, results from an A to G substitution at nucleotide position 754. The lysine at codon 252 is replaced by glutamic acid, an amino acid with similar properties. This amino acid position is conserved. In addition, the in silico prediction for this alteration is inconclusive. Based on the available evidence, the clinical significance of this variant remains unclear.